The following is an entry in ClinVar:

ClinVar aggregate classification (germline): Pathogenic (1 of 4 stars; one submission).

Conditions:
Familial adenomatous polyposis 1 (FAP1). Also called: FAMILIAL ADENOMATOUS POLYPOSIS 1, ATTENUATED; POLYPOSIS, ADENOMATOUS INTESTINAL. Identifiers: MedGen C2713442, MONDO:0021056, OMIM 175100. Disease mechanism: loss of function.

Submission:

Myriad Genetics, Inc.
Classification: Pathogenic for Familial adenomatous polyposis 1. Last evaluated: 2026-02-12. Review status: criteria provided, single submitter. Criteria: Myriad Autosomal Dominant, Autosomal Recessive and X-Linked Classification Criteria (2023). Collection method: clinical testing. Allele origin: unknown.
Comment: This variant is considered pathogenic. This variant creates a frameshift predicted to result in premature protein truncation.

NM_000038.6(APC):c.3062dup (p.Asp1022fs)

Gene: APC (APC regulator of Wnt signaling pathway; plus strand). Cytogenetic location: 5q22.2.
Variant type: Duplication.
Coding change: c.3062dup on transcript NM_000038.6 (MANE Select); coding-DNA position 3062, one base duplicated (T; older notation c.3062dupT).
Protein change: p.Asp1022fs; shifts the reading frame from aspartic acid 1022.
Molecular consequence: frameshift variant. On other transcripts: non-coding transcript variant (2).
Genome position (GRCh38, 1-based): chr5:112,838,656, T duplicated. VCF-style (leftmost placement, unchanged base first): chr5-112838655-C-CT. GRCh37 (hg19) VCF-style: chr5-112174352-C-CT.
Other names: c.3092dup, p.Asp1032fs (NM_001354897.2); c.2987dup, p.Asp997fs (NM_001354898.2); c.2978dup, p.Asp994fs (NM_001354899.2); c.2939dup, p.Asp981fs (NM_001354900.2); c.2885dup, p.Asp963fs (NM_001354901.2, NM_001407453.1); c.2789dup, p.Asp931fs (NM_001354902.2); c.2759dup, p.Asp921fs (NM_001354903.2, NM_001407458.1, NM_001407459.1 and 1 more transcripts); c.2684dup, p.Asp896fs (NM_001354904.2); and 11 more; short protein forms D1004fs, D1012fs, D1015fs, D1022fs, D1032fs, D1040fs, D1050fs, D638fs.
Identifiers: ClinVar variation 4856745 (VCV004856745.1).